The following is an entry in ClinVar:

ClinVar aggregate classification (germline): Uncertain significance (1 of 4 stars; one submission).

Submission:

Ambry Genetics
Classification: Uncertain significance. Last evaluated: 2025-11-17. Review status: criteria provided, single submitter. Criteria: Ambry Variant Classification Scheme 2023. Collection method: clinical testing. Allele origin: germline.
Comment: The p.S635R variant (also known as c.1905T>A), located in coding exon 11 of the PALLD gene, results from a T to A substitution at nucleotide position 1905. The serine at codon 635 is replaced by arginine, an amino acid with dissimilar properties. This amino acid position is conserved. In addition, this alteration is predicted to be deleterious by in silico analysis. Based on the available evidence, the clinical significance of this variant remains unclear.

NM_001166108.2(PALLD):c.*91T>A

Genes: CBR4 (carbonyl reductase 4; minus strand), PALLD (palladin, cytoskeletal associated protein; plus strand). Cytogenetic location: 4q32.3.
Variant type: single nucleotide variant.
Coding change: c.*91T>A on transcript NM_001166108.2 (MANE Select); 91 bases downstream of the stop codon, T replaced by A.
Molecular consequence: 3 prime UTR variant. On other transcripts: missense variant (4).
Genome position (GRCh38, 1-based): chr4:168,926,271, T>A. VCF-style: chr4-168926271-T-A. GRCh37 (hg19) VCF-style: chr4-169847422-T-A.
Other names: c.*91T>A (NM_001367567.1, NM_001367570.1, NM_016081.4); c.1296T>A, p.Ser432Arg (NM_001367568.1); c.1245T>A, p.Ser415Arg (NM_001367569.1); c.2220T>A, p.Ser740Arg (NM_001166109.2); c.1905T>A, p.Ser635Arg (NM_001166110.2); short protein forms S415R, S740R, S635R, S432R.
Identifiers: ClinVar variation 4564184 (VCV004564184.1).